The following is an entry in ClinVar:

NM_000130.5(F5):c.*1118G>A

Gene: F5 (coagulation factor V; minus strand). Cytogenetic location: 1q24.2.
Variant type: single nucleotide variant.
Coding change: c.*1118G>A on transcript NM_000130.5 (MANE Select); 1118 bases downstream of the stop codon, G replaced by A.
Molecular consequence: 3 prime UTR variant.
Genome position (GRCh38, 1-based): chr1:169,513,195, C>T on the plus strand (G>A on the coding strand, the complement: F5 is on the minus strand). VCF-style: chr1-169513195-C-T. GRCh37 (hg19) VCF-style: chr1-169482433-C-T.
Identifiers: ClinVar variation 293553 (VCV000293553.6), dbSNP rs9332675, ClinGen allele CA10608673.
Genomic context (GRCh38, chr1:169,513,195, plus strand): 5'-ATGAATTTCGTTGATAAAATTTTATATATTTATGGTATACATAACATTTTGATATATGTA[C>T]ACGTTACAGGATGATTAAATCAAGCTAAGTAACAAATCCATAATCTCACATAAATTTTTT-3'

ClinVar aggregate classification (germline): Benign. Review status: criteria provided, single submitter (1 of 4 stars). 3 submissions from 1 submitter: Benign (3). Last evaluated 2018-01-13.

Conditions:
Thrombophilia due to thrombin defect (THPH1). Also called: Thrombosis susceptibility; THROMBOPHILIA DUE TO FACTOR 2 DEFECT; Prothrombin-Related Thrombophilia (Factor II); Prothrombin Thrombophilia. Identifiers: MedGen C3160733, MONDO:0008559, OMIM 188050. Disease mechanism: gain of function, loss of function.
Factor V deficiency. Also called: Reduced coagulation factor V activity. Identifiers: Orphanet 326, MedGen C4317320, MONDO:0020586, HP:0003225.
Budd-Chiari syndrome (BDCHS). Also called: Hepatic vein obstruction. Identifiers: Orphanet 131, MedGen C0856761, MONDO:0010947, OMIM 600880, HP:0002639.

Allele frequency attached by ClinVar (database versions not stated): gnomAD 0.01943 and 0.02056; TOPMed 0.02204; 1000 Genomes Project 0.02356; 1000 Genomes Project 30x 0.02498.
gnomAD v4.1: 2,913 of 152,054 alleles (1.9%); highest among the groups gnomAD compares: African/African-American, 6.6%; 95 homozygotes.

Submissions (3):

Illumina Laboratory Services, Illumina
Classification: Benign for Venous thrombosis. Last evaluated: 2018-01-13. Review status: criteria provided, single submitter. Criteria: ICSL Variant Classification Criteria 13 December 2019. Collection method: clinical testing. Allele origin: germline.
Comment: This variant was observed in the ICSL laboratory as part of a predisposition screen in an ostensibly healthy population. It had not been previously curated by ICSL or reported in the Human Gene Mutation Database (HGMD: prior to June 1st, 2018), and was therefore a candidate for classification through an automated scoring system. Utilizing variant allele frequency, disease prevalence and penetrance estimates, and inheritance mode, an automated score was calculated to assess if this variant is too frequent to cause the disease. Based on the score and internal cut-off values, a variant classified as benign is not then subjected to further curation. The score for this variant resulted in a classification of benign for this disease.

Illumina Laboratory Services, Illumina
Classification: Benign for Budd-Chiari syndrome. Last evaluated: 2018-01-13. Review status: criteria provided, single submitter. Criteria: ICSL Variant Classification Criteria 13 December 2019. Collection method: clinical testing. Allele origin: germline.
Comment: the same text as in the submission from Illumina Laboratory Services, Illumina above.

Illumina Laboratory Services, Illumina
Classification: Benign for Congenital factor V deficiency. Last evaluated: 2018-01-13. Review status: criteria provided, single submitter. Criteria: ICSL Variant Classification Criteria 13 December 2019. Collection method: clinical testing. Allele origin: germline.
Comment: the same text as in the submission from Illumina Laboratory Services, Illumina above.